The following is an entry in ClinVar:

ClinVar aggregate classification (germline): Uncertain significance. Review status: criteria provided, multiple submitters, no conflicts (2 of 4 stars). 2 submissions from 2 submitters: Uncertain significance (2). Last evaluated 2026-03-19.

Conditions:
Hypertrophic cardiomyopathy 14. Identifiers: MedGen C2750467, MONDO:0013197, OMIM 613251.

Allele frequency attached by ClinVar (database versions not stated): gnomAD exomes below 0.00001.
gnomAD v4.1: 2 of 1,613,700 alleles (0.00012%); highest among the groups gnomAD compares: African/African-American, 0.0013%; no homozygotes.

Submissions (2):

GeneDx
Classification: Uncertain significance. Last evaluated: 2026-03-19. Review status: criteria provided, single submitter. Criteria: GeneDx Variant Classification Process June 2021. Collection method: clinical testing. Allele origin: germline.
Comment: Not observed at significant frequency in large population cohorts (gnomAD); In silico analysis supports that this missense variant has a deleterious effect on protein structure/function; Has not been previously published as pathogenic or benign to our knowledge

Labcorp Genetics (formerly Invitae), Labcorp
Classification: Uncertain significance for Hypertrophic cardiomyopathy 14. Last evaluated: 2023-08-30. Review status: criteria provided, single submitter. Criteria: Invitae Variant Classification Sherloc (09022015). Collection method: clinical testing. Allele origin: germline.
Comment: This sequence change replaces phenylalanine, which is neutral and non-polar, with leucine, which is neutral and non-polar, at codon 365 of the MYH6 protein (p.Phe365Leu). In summary, the available evidence is currently insufficient to determine the role of this variant in disease. Therefore, it has been classified as a Variant of Uncertain Significance. Advanced modeling of protein sequence and biophysical properties (such as structural, functional, and spatial information, amino acid conservation, physicochemical variation, residue mobility, and thermodynamic stability) performed at Invitae indicates that this missense variant is not expected to disrupt MYH6 protein function. ClinVar contains an entry for this variant (Variation ID: 958113). This variant has not been reported in the literature in individuals affected with MYH6-related conditions. This variant is not present in population databases (gnomAD no frequency).

NM_002471.4(MYH6):c.1095C>G (p.Phe365Leu)

Gene: MYH6 (myosin heavy chain 6; minus strand). Cytogenetic location: 14q11.2.
Variant type: single nucleotide variant.
Coding change: c.1095C>G on transcript NM_002471.4 (MANE Select); coding-DNA position 1095, C replaced by G.
Protein change: p.Phe365Leu; replaces phenylalanine 365 with leucine.
Molecular consequence: missense variant.
Genome position (GRCh38, 1-based): chr14:23,402,510, G>C on the plus strand (C>G on the coding strand, the complement: MYH6 is on the minus strand). VCF-style: chr14-23402510-G-C. GRCh37 (hg19) VCF-style: chr14-23871719-G-C.
Other names: short protein forms F365L.
Identifiers: ClinVar variation 958113 (VCV000958113.10), dbSNP rs1595062683, ClinGen allele CA389025921.